The following is an entry in ClinVar:

ClinVar aggregate classification (germline): Likely benign. Review status: criteria provided, single submitter (1 of 4 stars). 2 submissions from 2 submitters: Likely benign (1). 1 of the submissions does not count toward it.

Conditions:
ERCC6-related disorder. Also called: ERCC6-related condition; ERCC6-related disorders. Identifiers: MedGen CN239385.

Allele frequency attached by ClinVar (database versions not stated): gnomAD 0.00001; gnomAD exomes 0.00002; ExAC 0.00006.
gnomAD v4.1: 26 of 1,614,070 alleles (0.0016%); highest among the groups gnomAD compares: South Asian, 0.024%; no homozygotes.

Submissions (2):

Breakthrough Genomics
Classification: Likely benign. Review status: criteria provided, single submitter. Criteria: ACMG Guidelines, 2015. Collection method: not provided. Allele origin: germline. Inheritance: Autosomal recessive inheritance. Affected: yes.

PreventionGenetics, part of Exact Sciences
Classification: Likely benign for ERCC6-related condition. Last evaluated: 2019-08-20. Review status: no assertion criteria provided. Collection method: clinical testing. Allele origin: germline. Not counted in ClinVar's aggregate classification.
Comment: This variant is classified as likely benign based on ACMG/AMP sequence variant interpretation guidelines (Richards et al. 2015 PMID: 25741868, with internal and published modifications).

NM_001277058.2(ERCC6):c.2106T>C (p.Asn702=)

Genes: ERCC6 (ERCC excision repair 6, chromatin remodeling factor; minus strand), PGBD3 (piggyBac transposable element derived 3; minus strand). Cytogenetic location: 10q11.23.
Variant type: single nucleotide variant.
Coding change: c.2106T>C on transcript NM_001277058.2 (MANE Plus Clinical); coding-DNA position 2106, T replaced by C.
Protein change: p.Asn702=; no amino-acid change (asparagine 702 retained).
Molecular consequence: synonymous variant. On other transcripts: intron variant (2).
Genome position (GRCh38, 1-based): chr10:49,516,413, A>G on the plus strand (T>C on the coding strand, the complement: ERCC6 is on the minus strand). VCF-style: chr10-49516413-A-G. GRCh37 (hg19) VCF-style: chr10-50724459-A-G.
Other names: c.2106T>C, p.Asn702= (NM_001277059.2); c.702T>C, p.Asn234= (NM_170753.3); c.1397+7620T>C (NM_001346440.2, NM_000124.4).
Identifiers: ClinVar variation 3053719 (VCV003053719.3), dbSNP rs781207767, ClinGen allele CA5496199.